The following is an entry in ClinVar:

ClinVar aggregate classification (germline): Likely benign (1 of 4 stars; one submission).

Allele frequency attached by ClinVar (database versions not stated): gnomAD exomes below 0.00001; ExAC 0.00001; gnomAD 0.00001.
gnomAD v4.1: 2 of 1,209,663 alleles (0.00017%); highest among the groups gnomAD compares: African/African-American, 0.0035%; no homozygotes.

Submission:

CeGaT Center for Human Genetics Tuebingen
Classification: Likely benign. Last evaluated: 2022-07-01. Review status: criteria provided, single submitter. Criteria: CeGaT Center For Human Genetics Tuebingen Variant Classification Criteria Version 2. Collection method: clinical testing. Allele origin: germline. Affected: yes. Observed: 1 variant allele.
Comment: NHS: BP4, BP7

NM_001291867.2(NHS):c.4455T>G (p.Thr1485=)

Gene: NHS (NHS actin remodeling regulator; plus strand). Cytogenetic location: Xp22.13.
Variant type: single nucleotide variant.
Coding change: c.4455T>G on transcript NM_001291867.2 (MANE Select); coding-DNA position 4455, T replaced by G.
Protein change: p.Thr1485=; no amino-acid change (threonine 1485 retained).
Molecular consequence: synonymous variant.
Genome position (GRCh38, 1-based): chrX:17,731,963, T>G. VCF-style: chrX-17731963-T-G. GRCh37 (hg19) VCF-style: chrX-17750083-T-G.
Other names: c.3924T>G, p.Thr1308= (NM_001136024.4); c.3861T>G, p.Thr1287= (NM_001291868.2); c.4392T>G, p.Thr1464= (NM_198270.4).
Identifiers: ClinVar variation 2660088 (VCV002660088.24), dbSNP rs756950495, ClinGen allele CA10358934.